The following is an entry in ClinVar:

NM_000518.4(HBB):c.-138C>G

Genes: HBB (hemoglobin subunit beta; minus strand), LOC106099062 (HBB recombination region; plus strand), LOC107133510 (origin of replication at HBB; plus strand). Cytogenetic location: 11p15.4.
Variant type: single nucleotide variant.
Coding change: c.-138C>G on transcript NM_000518.4; 138 bases upstream of the start codon, C replaced by G.
Genome position (GRCh38, 1-based): chr11:5,227,159, G>C on the plus strand (C>G on the coding strand, the complement: HBB is on the minus strand). VCF-style: chr11-5227159-G-C. GRCh37 (hg19) VCF-style: chr11-5248389-G-C.
Other names: -88 C>G.
Identifiers: ClinVar variation 869328 (VCV000869328.3), dbSNP rs33944208, ClinGen allele CA217115853.
Genomic context (GRCh38, chr11:5,227,159, plus strand): 5'-TTATGCCCAGCCCTGGCTCCTGCCCTCCCTGCTCCTGGGAGTAGATTGGCCAACCCTAGG[G>C]TGTGGCTCCACAGGGTGAGGTCTAAGTGATGACAGCCGTACCTGTCCTTGGCTCTTCTGG-3'

ClinVar aggregate classification (germline): Uncertain significance. Review status: criteria provided, single submitter (1 of 4 stars). 2 submissions from 2 submitters: Uncertain significance (1). 1 of the submissions does not count toward it. Last evaluated 2024-03-07.

Conditions:
beta Thalassemia (BTHAL). Also called: Cooley's anemia; Erythroblastic anemia; Mediterranean anemia. Identifiers: Orphanet 848, MedGen C0005283, MONDO:0019402. Disease mechanism: loss of function.

Submissions (2):

Quest Diagnostics Nichols Institute San Juan Capistrano
Classification: Uncertain significance. Last evaluated: 2024-03-07. Review status: criteria provided, single submitter. Criteria: Quest Diagnostics criteria. Collection method: clinical testing. Allele origin: unknown.
Comment: The HBB c.-138C>G variant (also known as -88(C>G)) is located in an important promoter motif and may affect the transcription of the beta globin (HBB) mRNA and protein synthesis. This variant was also identified in two fetuses whose mothers had a thalassemia trait (PMID: 22392582 (2012)). To the best of our knowledge, this variant has not been published in compound heterozygous or homozygous affected individuals. This variant has not been reported in large, multi-ethnic general populations (Genome Aggregation Database). Based on the available information, we are unable to determine the clinical significance of this variant. Testing affected family members could help clarify the clinical significance of this variant. Genetic counseling is recommended.

The ITHANET community portal, The Cyprus Institute of Neurology and Genetics
Classification: Pathogenic for beta Thalassemia. Last evaluated: 2019-11-25. Review status: no assertion criteria provided. Collection method: curation. Allele origin: germline. Not counted in ClinVar's aggregate classification.

Literature cited by the submitters: PubMed 22392582 (cited by Quest Diagnostics Nichols Institute San Juan Capistrano); PubMed 36797585 (cited by Quest Diagnostics Nichols Institute San Juan Capistrano); PubMed 3462712 (cited by Quest Diagnostics Nichols Institute San Juan Capistrano); PubMed 23321370 (cited by Quest Diagnostics Nichols Institute San Juan Capistrano); PubMed 26635043 (cited by Quest Diagnostics Nichols Institute San Juan Capistrano and The ITHANET community portal, The Cyprus Institute of Neurology and Genetics).